The following is an entry in ClinVar:

NM_001174147.2(LMX1B):c.207dup (p.Arg70fs)

Gene: LMX1B (LIM homeobox transcription factor 1 beta; plus strand). Cytogenetic location: 9q33.3.
Variant type: Duplication.
Coding change: c.207dup on transcript NM_001174147.2 (MANE Select); coding-DNA position 207, one base duplicated (G; older notation c.207dupG).
Protein change: p.Arg70fs; shifts the reading frame from arginine 70.
Molecular consequence: frameshift variant.
Genome position (GRCh38, 1-based): chr9:126,615,450, G duplicated. VCF-style (leftmost placement, unchanged base first): chr9-126615449-T-TG. GRCh37 (hg19) VCF-style: chr9-129377728-T-TG.
Other names: c.207dup, p.Arg70fs (NM_001174146.2, NM_002316.4); short protein forms R70fs.
Identifiers: ClinVar variation 1452363 (VCV001452363.10), dbSNP rs2118823366, ClinGen allele CA2573144035.
Genomic context (GRCh38, chr9:126,615,449, plus strand): 5'-ACTGCCCGCATCCCGCCGTCTGCGAGGGCTGCCAGCGGCCCATCTCCGACCGCTTCCTGA[T>TG]GCGAGTCAACGAGTCGTCCTGGCACGAGGAGTGTTTGCAGTGCGCGGCGTGTCAGCAAGC-3'

ClinVar aggregate classification (germline): Pathogenic. Review status: criteria provided, multiple submitters, no conflicts (2 of 4 stars). 3 submissions from 3 submitters: Pathogenic (3). Last evaluated 2024-12-19.

Conditions:
Nail-patella syndrome (NPS). Also called: FONG DISEASE; ONYCHOOSTEODYSPLASIA; TURNER-KIESER SYNDROME. Identifiers: Orphanet 2614, MedGen C0027341, MONDO:0008061, OMIM 161200.

Allele frequency attached by ClinVar (database versions not stated): gnomAD exomes below 0.00001.

Submissions (3):

Genomic Medicine Center of Excellence, King Faisal Specialist Hospital and Research Centre
Classification: Pathogenic for Nail-patella syndrome. Last evaluated: 2024-12-19. Review status: criteria provided, single submitter. Criteria: ACMG Guidelines, 2015. Collection method: clinical testing. Allele origin: germline.

Greenwood Genetic Center Diagnostic Laboratories, Greenwood Genetic Center
Classification: Pathogenic for Nail-patella syndrome. Last evaluated: 2024-02-02. Review status: criteria provided, single submitter. Criteria: ACMG Guidelines, 2015. Collection method: clinical testing. Allele origin: germline. Affected: yes.
Comment: PVS1, PS4_Supporting, PM2

Labcorp Genetics (formerly Invitae), Labcorp
Classification: Pathogenic. Last evaluated: 2023-01-19. Review status: criteria provided, single submitter. Criteria: Invitae Variant Classification Sherloc (09022015). Collection method: clinical testing. Allele origin: germline.
Comment: This sequence change creates a premature translational stop signal (p.Arg70Alafs*78) in the LMX1B gene. It is expected to result in an absent or disrupted protein product. Loss-of-function variants in LMX1B are known to be pathogenic (PMID: 9590287, 15498463). This variant is not present in population databases (gnomAD no frequency). This premature translational stop signal has been observed in individual(s) with nail-patella syndrome (PMID: 24477276). It has also been observed to segregate with disease in related individuals. ClinVar contains an entry for this variant (Variation ID: 1452363). For these reasons, this variant has been classified as Pathogenic.

Literature cited by the submitters: PubMed 9590287 (cited by Labcorp Genetics (formerly Invitae), Labcorp); PubMed 15498463 (cited by Labcorp Genetics (formerly Invitae), Labcorp); PubMed 24477276 (cited by Labcorp Genetics (formerly Invitae), Labcorp).